The following is an entry in ClinVar:

ClinVar aggregate classification (germline): Pathogenic. Review status: reviewed by expert panel (3 of 4 stars). 8 submissions from 8 submitters: Pathogenic (1). 7 of the submissions do not count toward it. Last evaluated 2016-10-18.

Conditions:
BRCA2-related cancer predisposition. Identifiers: MedGen CN377758, MONDO:0700269.
Hereditary cancer-predisposing syndrome. Also called: Tumor predisposition; Hereditary Cancer Syndrome; Neoplastic Syndromes, Hereditary; Hereditary neoplastic syndrome. Identifiers: Orphanet 140162, MedGen C0027672, MeSH D009386, MONDO:0015356.
Hereditary breast ovarian cancer syndrome. Also called: Hereditary breast and ovarian cancer syndrome; Hereditary breast and ovarian cancer; Hereditary breast and ovarian cancer syndrome (HBOC); BRCA1- and BRCA2-Associated Hereditary Breast and Ovarian Cancer; Hereditary breast and/or ovarian cancer syndrome; Breast and ovarian cancer. Identifiers: Orphanet 145, MedGen C0677776, MeSH D061325, MONDO:0003582. Disease mechanism: loss of function.
Breast-ovarian cancer, familial, susceptibility to, 2 (BROVCA2). Also called: BRCA2 Hereditary Breast and Ovarian Cancer. Identifiers: Orphanet 145, MedGen C2675520, MONDO:0012933, OMIM 612555. Disease mechanism: loss of function.

Submissions (8):

Evidence-based Network for the Interpretation of Germline Mutant Alleles (ENIGMA)
Classification: Pathogenic for Breast-ovarian cancer, familial, susceptibility to, 2. Last evaluated: 2016-10-18. Review status: reviewed by expert panel. Criteria: ENIGMA BRCA1/2 Classification Criteria (2015). Collection method: curation. Allele origin: germline.
Comment: Variant allele predicted to encode a truncated non-functional protein.

Labcorp Genetics (formerly Invitae), Labcorp
Classification: Pathogenic for Hereditary breast ovarian cancer syndrome. Last evaluated: 2024-04-29. Review status: criteria provided, single submitter. Criteria: Invitae Variant Classification Sherloc (09022015). Collection method: clinical testing. Allele origin: germline. Not counted in ClinVar's aggregate classification.
Comment: This sequence change creates a premature translational stop signal (p.Asn3264Leufs*12) in the BRCA2 gene. While this is not anticipated to result in nonsense mediated decay, it is expected to disrupt the last 155 amino acid(s) of the BRCA2 protein. This variant is not present in population databases (gnomAD no frequency). This premature translational stop signal has been observed in individual(s) with BRCA2-related conditions (PMID: 21520333). ClinVar contains an entry for this variant (Variation ID: 267172). This variant disrupts a region of the BRCA2 protein in which other variant(s) (p.Tyr3308*) have been determined to be pathogenic (PMID: 17026620, 18593900, 18607349, 22711857). This suggests that this is a clinically significant region of the protein, and that variants that disrupt it are likely to be disease-causing. For these reasons, this variant has been classified as Pathogenic.

All of Us Research Program, National Institutes of Health
Classification: Pathogenic for BRCA2-related cancer predisposition. Last evaluated: 2024-02-28. Review status: criteria provided, single submitter. Criteria: ACMG Guidelines, 2015. Collection method: clinical testing. Allele origin: germline. Inheritance: Autosomal dominant inheritance. Observed: 1 variant allele, 1 heterozygote. Not counted in ClinVar's aggregate classification.
Comment: This variant deletes 2 nucleotides in exon 27 of the BRCA2 gene, creating a frameshift and premature translation stop signal in the last exon. Although this variant is not predicted to trigger nonsense-mediated decay, it causes the loss of the RAD51 binding domain (PMID: 9126738, 9192668) and the nuclear localization signals (PMID: 10570174) and is expected to result in a non-functional protein product. This variant has been reported in an individual affected with familial breast cancer (PMID: 28947987) and in one family among the CIMBA participants (PMID: 29446198). This variant has not been identified in the general population by the Genome Aggregation Database (gnomAD). Loss of BRCA2 function is a known mechanism of disease. Based on the available evidence, this variant is classified as Pathogenic.

This study involves interpretation of variants in research participants for the purpose of population health screening. Participant phenotype was not available at the time of variant classification. Additional details can be found in publication PMID: 35346344, PMCID: PMC8962531

Ambry Genetics
Classification: Pathogenic for Hereditary cancer-predisposing syndrome. Last evaluated: 2023-07-24. Review status: criteria provided, single submitter. Criteria: Ambry Variant Classification Scheme 2023. Collection method: clinical testing. Allele origin: germline. Not counted in ClinVar's aggregate classification.
Comment: The c.9789_9790delGA pathogenic mutation, located in coding exon 26 of the BRCA2 gene, results from a deletion of two nucleotides at nucleotide positions 9789 to 9790, causing a translational frameshift with a predicted alternate stop codon (p.N3264Lfs*12). This alteration occurs at the 3' terminus of theBRCA2 gene, is not expected to trigger nonsense-mediated mRNA decay, and only impacts the last 155 amino acids of the protein. However, premature stop codons are typically deleterious in nature and the impacted region is critical for protein function (Ambry internal data). This variant is considered to be rare based on population cohorts in the Genome Aggregation Database (gnomAD). Based on the supporting evidence, this alteration is interpreted as a disease-causing mutation.

Color Diagnostics, LLC DBA Color Health
Classification: Pathogenic for Hereditary cancer-predisposing syndrome. Last evaluated: 2022-10-07. Review status: criteria provided, single submitter. Criteria: ACMG Guidelines, 2015. Collection method: clinical testing. Allele origin: germline. Not counted in ClinVar's aggregate classification.
Comment: This variant deletes 2 nucleotides in exon 27 of the BRCA2 gene, creating a frameshift and premature translation stop signal in the last exon. Although this variant is not predicted to trigger nonsense-mediated decay, it causes the loss of the RAD51 binding domain (PMID: 9126738, 9192668) and the nuclear localization signals (PMID: 10570174) and is expected to result in a non-functional protein product. This variant has been reported in an individual affected with familial breast cancer (PMID: 28947987) and in one family among the CIMBA participants (PMID: 29446198). This variant has not been identified in the general population by the Genome Aggregation Database (gnomAD). Loss of BRCA2 function is a known mechanism of disease. Based on the available evidence, this variant is classified as Pathogenic.

Women's Health and Genetics/Laboratory Corporation of America, LabCorp
Classification: Pathogenic for Hereditary breast and ovarian cancer syndrome. Last evaluated: 2020-07-16. Review status: criteria provided, single submitter. Criteria: LabCorp Variant Classification Summary - May 2015. Collection method: clinical testing. Allele origin: germline. Not counted in ClinVar's aggregate classification.
Comment: Variant summary: BRCA2 c.9789_9790delGA (p.Asn3264LeufsX12) results in a premature termination codon, predicted to cause a truncation of the encoded protein or absence of the protein due to nonsense mediated decay, which are commonly known mechanisms for disease. Truncations downstream of this position have been classified as pathogenic by our laboratory. The variant was absent in 251416 control chromosomes. c.9789_9790delGA has been reported in the literature in individuals affected with Hereditary Breast And Ovarian Cancer Syndrome (e.g. Solano_2017, Rebbeck_2018). These data indicate that the variant may be associated with disease. To our knowledge, no experimental evidence demonstrating an impact on protein function has been reported. Five ClinVar submitters, including two expert panels, have cited clinical-significance assessments for this variant (evaluation after 2014) and classified the variant as pathogenic (n=4)/likely pathogenic (n=1). Based on the evidence outlined above, the variant was classified as pathogenic.

CeGaT Center for Human Genetics Tuebingen
Classification: Likely pathogenic. Last evaluated: 2017-04-01. Review status: criteria provided, single submitter. Criteria: CeGaT Center For Human Genetics Tuebingen Variant Classification Criteria Version 2. Collection method: clinical testing. Allele origin: germline. Affected: yes. Observed: 1 variant allele. Not counted in ClinVar's aggregate classification.

Consortium of Investigators of Modifiers of BRCA1/2 (CIMBA), c/o University of Cambridge
Classification: Pathogenic for Breast-ovarian cancer, familial, susceptibility to, 2. Last evaluated: 2015-10-02. Review status: criteria provided, single submitter. Criteria: CIMBA Mutation Classification guidelines May 2016. Collection method: clinical testing. Allele origin: germline. Not counted in ClinVar's aggregate classification.

Literature cited by the submitters: PubMed 21520333 (cited by Labcorp Genetics (formerly Invitae), Labcorp); PubMed 17026620 (cited by Labcorp Genetics (formerly Invitae), Labcorp); PubMed 18593900 (cited by Labcorp Genetics (formerly Invitae), Labcorp); PubMed 18607349 (cited by Labcorp Genetics (formerly Invitae), Labcorp); PubMed 22711857 (cited by Labcorp Genetics (formerly Invitae), Labcorp); PubMed 9126738 (cited by All of Us Research Program, National Institutes of Health and Color Diagnostics, LLC DBA Color Health); PubMed 9192668 (cited by All of Us Research Program, National Institutes of Health and Color Diagnostics, LLC DBA Color Health); PubMed 10570174 (cited by All of Us Research Program, National Institutes of Health and Color Diagnostics, LLC DBA Color Health); PubMed 28947987 (cited by 3 submitters); PubMed 29446198 (cited by 3 submitters).

NM_000059.4(BRCA2):c.9789_9790del (p.Asn3264fs)

Gene: BRCA2 (BRCA2 DNA repair associated; plus strand). Cytogenetic location: 13q13.1.
Variant type: Deletion.
Coding change: c.9789_9790del on transcript NM_000059.4 (MANE Select); coding-DNA positions 9789 to 9790, 2 bases deleted (GA; older notation c.9789_9790delGA).
Protein change: p.Asn3264fs; shifts the reading frame from asparagine 3264.
Molecular consequence: frameshift variant.
Genome position (GRCh38, 1-based): chr13:32,398,302-32,398,303, GA deleted; deleting any 2 consecutive bases within chr13:32,398,301-32,398,303 gives the same sequence; the c. name uses the placement nearest the transcript's 3' end. VCF-style (leftmost placement, unchanged base first): chr13-32398300-AAG-A. GRCh37 (hg19) VCF-style: chr13-32972437-AAG-A.
Other names: 10017delAG; c.9789_9790delGA (NM_000059.3).
Identifiers: ClinVar variation 267172 (VCV000267172.62), dbSNP rs886040851, ClinGen allele CA10589574.
Genomic context (GRCh38, chr13:32,398,300, plus strand): 5'-CCTGTCTCAGCCCAGATGACTTCAAAGTCTTGTAAAGGGGAGAAAGAGATTGATGACCAA[AAG>A]AACTGCAAAAAGAGAAGAGCCTTGGATTTCTTGAGTAGACTGCCTTTACCTCCACCTGTT-3'